The following is an entry in ClinVar:

ClinVar aggregate classification (germline): Conflicting classifications of pathogenicity. Review status: criteria provided, conflicting classifications (1 of 4 stars). 4 submissions from 4 submitters: Uncertain significance (3); Likely benign (1). Last evaluated 2026-06-14.

Conditions:
Marfan syndrome (MFS). Also called: MARFAN SYNDROME, TYPE I; Marfan syndrome type 1; Marfan's syndrome; Marfan syndrome, classic; FBN1-Related Marfan Syndrome. Identifiers: Orphanet 284963, Orphanet 558, MedGen C0024796, MONDO:0007947, OMIM 154700.
Familial thoracic aortic aneurysm and aortic dissection (TAAD). Also called: Thoracic aortic aneurysms and dissections. Identifiers: Orphanet 91387, MedGen C4707243, MONDO:0019625.

Allele frequency attached by ClinVar (database versions not stated): TOPMed 0.00001; gnomAD exomes 0.00002; ExAC 0.00001.
gnomAD v4.1: 12 of 1,614,070 alleles (0.00074%); highest among the groups gnomAD compares: Admixed American, 0.013%; no homozygotes.

Submissions (4):

Ambry Genetics
Classification: Likely benign for Familial thoracic aortic aneurysm and aortic dissection. Last evaluated: 2026-06-14. Review status: criteria provided, single submitter. Criteria: Ambry Variant Classification Scheme 2023. Collection method: clinical testing. Allele origin: germline.

Labcorp Genetics (formerly Invitae), Labcorp
Classification: Uncertain significance for Marfan syndrome; Familial thoracic aortic aneurysm and aortic dissection. Last evaluated: 2025-04-17. Review status: criteria provided, single submitter. Criteria: Invitae Variant Classification Sherloc (09022015). Collection method: clinical testing. Allele origin: germline.
Comment: This sequence change replaces serine, which is neutral and polar, with glycine, which is neutral and non-polar, at codon 1135 of the FBN1 protein (p.Ser1135Gly). This variant is present in population databases (rs749255004, gnomAD 0.01%). This variant has not been reported in the literature in individuals affected with FBN1-related conditions. ClinVar contains an entry for this variant (Variation ID: 1479942). Invitae Evidence Modeling of protein sequence and biophysical properties (such as structural, functional, and spatial information, amino acid conservation, physicochemical variation, residue mobility, and thermodynamic stability) indicates that this missense variant is expected to disrupt FBN1 protein function with a positive predictive value of 95%. In summary, the available evidence is currently insufficient to determine the role of this variant in disease. Therefore, it has been classified as a Variant of Uncertain Significance.

All of Us Research Program, National Institutes of Health
Classification: Uncertain significance for Marfan syndrome. Last evaluated: 2024-08-30. Review status: criteria provided, single submitter. Criteria: ACMG Guidelines, 2015. Collection method: clinical testing. Allele origin: germline. Inheritance: Autosomal dominant inheritance. Observed: 9 variant alleles, 9 heterozygotes.
Comment: This missense variant replaces serine with glycine at codon 1135 of the FBN1 protein. Computational prediction suggests that this variant may have deleterious impact on protein structure and function (internally defined REVEL score threshold >= 0.7, PMID: 27666373). To our knowledge, functional studies have not been reported for this variant. This variant has not been reported in individuals affected with cardiovascular disorders in the literature. This variant has been identified in 5/251470 chromosomes in the general population by the Genome Aggregation Database (gnomAD). The available evidence is insufficient to determine the role of this variant in disease conclusively. Therefore, this variant is classified as a Variant of Uncertain Significance.

This study involves interpretation of variants in research participants for the purpose of population health screening. Participant phenotype was not available at the time of variant classification. Additional details can be found in publication PMID: 35346344, PMCID: PMC8962531

Color Diagnostics, LLC DBA Color Health
Classification: Uncertain significance for Familial thoracic aortic aneurysm and aortic dissection. Last evaluated: 2023-09-21. Review status: criteria provided, single submitter. Criteria: ACMG Guidelines, 2015. Collection method: clinical testing. Allele origin: germline.
Comment: This missense variant replaces serine with glycine at codon 1135 of the FBN1 protein. Computational prediction suggests that this variant may have deleterious impact on protein structure and function (internally defined REVEL score threshold >= 0.7, PMID: 27666373). To our knowledge, functional studies have not been reported for this variant. This variant has not been reported in individuals affected with FBN1-related disorders in the literature. This variant has been identified in 5/251470 chromosomes in the general population by the Genome Aggregation Database (gnomAD). The available evidence is insufficient to determine the role of this variant in disease conclusively. Therefore, this variant is classified as a Variant of Uncertain Significance.

NM_000138.5(FBN1):c.3403A>G (p.Ser1135Gly)

Gene: FBN1 (fibrillin 1; minus strand). Cytogenetic location: 15q21.1.
Variant type: single nucleotide variant.
Coding change: c.3403A>G on transcript NM_000138.5 (MANE Select); coding-DNA position 3403, A replaced by G.
Protein change: p.Ser1135Gly; replaces serine 1135 with glycine.
Molecular consequence: missense variant.
Genome position (GRCh38, 1-based): chr15:48,487,372, T>C on the plus strand (A>G on the coding strand, the complement: FBN1 is on the minus strand). VCF-style: chr15-48487372-T-C. GRCh37 (hg19) VCF-style: chr15-48779569-T-C.
Other names: c.3403A>G (NM_000138.4); short protein forms S1135G.
Identifiers: ClinVar variation 1479942 (VCV001479942.12), dbSNP rs749255004, ClinGen allele CA050512.
Genomic context (GRCh38, chr15:48,487,372, plus strand): 5'-CGATACACGCGGAGATGTTGGGGGACAGCTGATGGCCAGGCGGGCATTCACAGCGGTAAC[T>C]TCCCTCTGTGTTATGGCAAACACCACCTCGGCATAGGAGAGGATCTCTCTGACACTCATC-3'
Protein context (NP_000129.3, residues 1125-1145): RGGVCHNTEG[Ser1135Gly]YRCECPPGHQ